The following is an entry in ClinVar:

NM_015164.4(PLEKHM2):c.760G>A (p.Asp254Asn)

Gene: PLEKHM2 (pleckstrin homology and RUN domain containing M2; plus strand). Cytogenetic location: 1p36.21.
Variant type: single nucleotide variant.
Coding change: c.760G>A on transcript NM_015164.4 (MANE Select); coding-DNA position 760, G replaced by A.
Protein change: p.Asp254Asn; replaces aspartic acid 254 with asparagine.
Molecular consequence: missense variant.
Genome position (GRCh38, 1-based): chr1:15,725,364, G>A. VCF-style: chr1-15725364-G-A. GRCh37 (hg19) VCF-style: chr1-16051859-G-A.
Other names: c.760G>A (NM_015164.2); short protein forms D254N.
Identifiers: ClinVar variation 1524727 (VCV001524727.6), dbSNP rs369874310, ClinGen allele CA616771.
Genomic context (GRCh38, chr1:15,725,364, plus strand): 5'-CTTGTCCTCCCAGATGGAGACCTCACAGACACGGTCAGTGGTCCCCGCTCCACAGCCTCC[G>A]ACCTGACCAGCAGCAAGGCCTCCACCAGGAGCCCCACCCAGCGCCAGAACCCCTTCAACG-3'
Protein context (NP_055979.2, residues 244-264): TVSGPRSTAS[Asp254Asn]LTSSKASTRS

ClinVar aggregate classification (germline): Uncertain significance. Review status: criteria provided, multiple submitters, no conflicts (2 of 4 stars). 2 submissions from 2 submitters: Uncertain significance (2). Last evaluated 2024-03-03.

Conditions:
Dilated Cardiomyopathy, Recessive.

Allele frequency attached by ClinVar (database versions not stated): gnomAD exomes 0.00002 and 0.00004; gnomAD 0.00003 and 0.00004; TOPMed 0.00008; ExAC 0.00015; 1000 Genomes Project 30x 0.00016; ESP Exome Variant Server 0.00017.
gnomAD v4.1: 29 of 1,551,476 alleles (0.0019%); highest among the groups gnomAD compares: African/African-American, 0.012%; no homozygotes.

Submissions (2):

Labcorp Genetics (formerly Invitae), Labcorp
Classification: Uncertain significance. Last evaluated: 2024-03-03. Review status: criteria provided, single submitter. Criteria: Invitae Variant Classification Sherloc (09022015). Collection method: clinical testing. Allele origin: germline.
Comment: This sequence change replaces aspartic acid, which is acidic and polar, with asparagine, which is neutral and polar, at codon 254 of the PLEKHM2 protein (p.Asp254Asn). This variant is present in population databases (rs369874310, gnomAD 0.03%). This variant has not been reported in the literature in individuals affected with PLEKHM2-related conditions. ClinVar contains an entry for this variant (Variation ID: 1524727). An algorithm developed to predict the effect of missense changes on protein structure and function (PolyPhen-2) suggests that this variant is likely to be disruptive. In summary, the available evidence is currently insufficient to determine the role of this variant in disease. Therefore, it has been classified as a Variant of Uncertain Significance.

Ambry Genetics
Classification: Uncertain significance. Last evaluated: 2022-12-20. Review status: criteria provided, single submitter. Criteria: Ambry Variant Classification Scheme 2023. Collection method: clinical testing. Allele origin: germline.